The following is an entry in ClinVar:

ClinVar aggregate classification (germline): Likely pathogenic (1 of 4 stars; one submission).

gnomAD v4.1: 1 of 1,583,798 alleles (0.000063%); highest among the groups gnomAD compares: Non-Finnish European, 0.000086%; no homozygotes.

Submission:

GeneDx
Classification: Likely pathogenic. Last evaluated: 2024-01-25. Review status: criteria provided, single submitter. Criteria: GeneDx Variant Classification Process June 2021. Collection method: clinical testing. Allele origin: germline. Affected: yes.
Comment: Published functional studies suggest the variant causes decreased protein stability (PMID: 35833929); In silico analysis supports that this missense variant does not alter protein structure/function; Not observed at significant frequency in large population cohorts (gnomAD); This variant is associated with the following publications: (PMID: 35833929)

NM_013275.6(ANKRD11):c.6049G>A (p.Ala2017Thr)

Gene: ANKRD11 (ankyrin repeat domain containing 11; minus strand). Cytogenetic location: 16q24.3.
Variant type: single nucleotide variant.
Coding change: c.6049G>A on transcript NM_013275.6 (MANE Select); coding-DNA position 6049, G replaced by A.
Protein change: p.Ala2017Thr; replaces alanine 2017 with threonine.
Molecular consequence: missense variant.
Genome position (GRCh38, 1-based): chr16:89,280,493, C>T on the plus strand (G>A on the coding strand, the complement: ANKRD11 is on the minus strand). VCF-style: chr16-89280493-C-T. GRCh37 (hg19) VCF-style: chr16-89346901-C-T.
Other names: c.6049G>A, p.Ala2017Thr (NM_001256182.2, NM_001256183.2); short protein forms A2017T.
Identifiers: ClinVar variation 3340813 (VCV003340813.1).